The following is an entry in ClinVar:

NM_006015.6(ARID1A):c.3716-7C>T

Genes: ARID1A (AT-rich interaction domain 1A; plus strand), LOC126805670 (CDK7 strongly-dependent group 2 enhancer GRCh37_chr1:27098665-27099864; plus strand). Cytogenetic location: 1p36.11.
Variant type: single nucleotide variant.
Coding change: c.3716-7C>T on transcript NM_006015.6 (MANE Select); 7 bases into the intron before coding-DNA position 3716, C replaced by T.
Molecular consequence: intron variant.
Genome position (GRCh38, 1-based): chr1:26,773,339, C>T. VCF-style: chr1-26773339-C-T. GRCh37 (hg19) VCF-style: chr1-27099830-C-T.
Other names: c.3716-7C>T (NM_139135.4).
Identifiers: ClinVar variation 1206070 (VCV001206070.42), dbSNP rs150792057, ClinGen allele CA707289.
Genomic context (GRCh38, chr1:26,773,339, plus strand): 5'-GTCAAAGGGTAGATTACCAGGCTTGTCAACTTACCAGTTTGTTCACCGCTTGCCTTTCTA[C>T]GCTCAGCTCCAGGGAGTGATCCCTTCATGTCCTCAGGGCAGGGCCCCAACGGCGGGATGG-3'

ClinVar aggregate classification (germline): Benign/Likely benign. Review status: criteria provided, multiple submitters, no conflicts (2 of 4 stars). 8 submissions from 8 submitters: Benign (3); Likely benign (3). 2 of the submissions do not count toward it. Last evaluated 2026-01-21.

Conditions:
Intellectual disability, autosomal dominant 14 (CSS2). Also called: COFFIN-SIRIS SYNDROME 2. Identifiers: Orphanet 1465, MedGen C3553247, MONDO:0013819, OMIM 614607.

Allele frequency attached by ClinVar (database versions not stated): 1000 Genomes Project 30x 0.00016; 1000 Genomes Project 0.00020; gnomAD 0.00084 and 0.00090; TOPMed 0.00086; ESP Exome Variant Server 0.00108.
gnomAD v4.1: 2,224 of 1,562,092 alleles (0.14%); highest among the groups gnomAD compares: Non-Finnish European, 0.18%; 1 homozygote.

Submissions (8):

Labcorp Genetics (formerly Invitae), Labcorp
Classification: Benign. Last evaluated: 2026-01-21. Review status: criteria provided, single submitter. Criteria: Invitae Variant Classification Sherloc (09022015). Collection method: clinical testing. Allele origin: germline.

CeGaT Center for Human Genetics Tuebingen
Classification: Likely benign. Last evaluated: 2025-07-01. Review status: criteria provided, single submitter. Criteria: CeGaT Center For Human Genetics Tuebingen Variant Classification Criteria Version 2. Collection method: clinical testing. Allele origin: germline. Affected: yes. Observed: 4 variant alleles.
Comment: ARID1A: BP4, BS1

Blueprint Genetics
Classification: Likely benign. Last evaluated: 2024-11-25. Review status: criteria provided, single submitter. Criteria: ACMG Guidelines, 2015. Collection method: clinical testing. Allele origin: germline.

Genome-Nilou Lab
Classification: Benign for Intellectual disability, autosomal dominant 14. Last evaluated: 2021-12-05. Review status: criteria provided, single submitter. Criteria: ACMG Guidelines, 2015. Collection method: clinical testing. Allele origin: germline. Affected: no.

Genetic Services Laboratory, University of Chicago
Classification: Likely benign. Last evaluated: 2021-11-04. Review status: criteria provided, single submitter. Criteria: ACMG Guidelines, 2015. Collection method: clinical testing. Allele origin: germline. Affected: no.

GeneDx
Classification: Benign. Last evaluated: 2019-07-17. Review status: criteria provided, single submitter. Criteria: GeneDx Variant Classification Process June 2021. Collection method: clinical testing. Allele origin: germline. Affected: yes.

Clinical Genetics DNA and cytogenetics Diagnostics Lab, Erasmus MC, Erasmus Medical Center
Classification: Likely benign. Review status: no assertion criteria provided. Collection method: clinical testing. Allele origin: germline. Affected: yes. Study: VKGL Data-share Consensus. Not counted in ClinVar's aggregate classification.

Laboratory of Diagnostic Genome Analysis, Leiden University Medical Center (LUMC)
Classification: Likely benign. Review status: no assertion criteria provided. Collection method: clinical testing. Allele origin: germline. Affected: yes. Study: VKGL Data-share Consensus. Not counted in ClinVar's aggregate classification.